The following is an entry in ClinVar:

ClinVar aggregate classification (germline): Uncertain significance (1 of 4 stars; one submission).

Submission:

Ambry Genetics
Classification: Uncertain significance. Last evaluated: 2022-08-09. Review status: criteria provided, single submitter. Criteria: Ambry Variant Classification Scheme 2023. Collection method: clinical testing. Allele origin: germline.
Comment: The p.N326D variant (also known as c.976A>G), located in coding exon 3 of the TERF2IP gene, results from an A to G substitution at nucleotide position 976. The asparagine at codon 326 is replaced by aspartic acid, an amino acid with highly similar properties. This amino acid position is conserved. In addition, this alteration is predicted to be tolerated by in silico analysis. Since supporting evidence is limited at this time, the clinical significance of this alteration remains unclear.

NM_018975.4(TERF2IP):c.976A>G (p.Asn326Asp)

Gene: TERF2IP (TERF2 interacting protein; plus strand). Cytogenetic location: 16q23.1.
Variant type: single nucleotide variant.
Coding change: c.976A>G on transcript NM_018975.4 (MANE Select); coding-DNA position 976, A replaced by G.
Protein change: p.Asn326Asp; replaces asparagine 326 with aspartic acid.
Molecular consequence: missense variant. On other transcripts: non-coding transcript variant (1).
Genome position (GRCh38, 1-based): chr16:75,656,387, A>G. VCF-style: chr16-75656387-A-G. GRCh37 (hg19) VCF-style: chr16-75690285-A-G.
Other names: short protein forms N326D.
Identifiers: ClinVar variation 1768127 (VCV001768127.2), dbSNP rs2507089524, ClinGen allele CA396819998.
Genomic context (GRCh38, chr16:75,656,387, plus strand): 5'-GTTTCTCAACCAGAGGTGGGAGCTGCCATTAAGATCATTCGGCAGTTAATGGAGAAGTTT[A>G]ACTTGGATCTATCAACAGTTACACAGGCCTTCCTAAAAAATAGTGGTGAGCTGGAGGCTA-3'
Protein context (NP_061848.2, residues 316-336): KIIRQLMEKF[Asn326Asp]LDLSTVTQAF